The following is an entry in ClinVar:

NM_021922.3(FANCE):c.1196G>A (p.Cys399Tyr)

Gene: FANCE (FA complementation group E; plus strand). Cytogenetic location: 6p21.31.
Variant type: single nucleotide variant.
Coding change: c.1196G>A on transcript NM_021922.3 (MANE Select); coding-DNA position 1196, G replaced by A.
Protein change: p.Cys399Tyr; replaces cysteine 399 with tyrosine.
Molecular consequence: missense variant.
Genome position (GRCh38, 1-based): chr6:35,459,413, G>A. VCF-style: chr6-35459413-G-A. GRCh37 (hg19) VCF-style: chr6-35427190-G-A.
Other names: short protein forms C399Y.
Identifiers: ClinVar variation 1441250 (VCV001441250.5), dbSNP rs1365782479, ClinGen allele CA363776715.
Genomic context (GRCh38, chr6:35,459,413, plus strand): 5'-CCTCCCGCCTGCTTACAACTGCCCTGACCTCCTTCTGTGCCAAATATACATACCCTGTCT[G>A]CAGCGCCCTCCTTGACCCTGTGCTCCAGGCCCCAGGCACAGGTAATTCTGGAACCAGCCC-3'
Protein context (NP_068741.1, residues 389-409): SFCAKYTYPV[Cys399Tyr]SALLDPVLQA

ClinVar aggregate classification (germline): Uncertain significance. Review status: criteria provided, multiple submitters, no conflicts (2 of 4 stars). 2 submissions from 2 submitters: Uncertain significance (2). Last evaluated 2024-04-30.

Conditions:
Fanconi anemia complementation group E (FANCE). Also called: FANCE-Related Fanconi Anemia. Identifiers: Orphanet 84, MedGen C3160739, MONDO:0010953, OMIM 600901.

Allele frequency attached by ClinVar (database versions not stated): gnomAD exomes below 0.00001; gnomAD 0.00003; TOPMed 0.00003.

Submissions (2):

Fulgent Genetics
Classification: Uncertain significance for Fanconi anemia complementation group E. Last evaluated: 2024-04-30. Review status: criteria provided, single submitter. Criteria: ACMG Guidelines, 2015. Collection method: clinical testing. Allele origin: germline.

Labcorp Genetics (formerly Invitae), Labcorp
Classification: Uncertain significance for Fanconi anemia complementation group E. Last evaluated: 2021-10-10. Review status: criteria provided, single submitter. Criteria: Invitae Variant Classification Sherloc (09022015). Collection method: clinical testing. Allele origin: germline.
Comment: This sequence change replaces cysteine with tyrosine at codon 399 of the FANCE protein (p.Cys399Tyr). The cysteine residue is highly conserved and there is a large physicochemical difference between cysteine and tyrosine. This variant is not present in population databases (ExAC no frequency). This variant has not been reported in the literature in individuals affected with FANCE-related conditions. Algorithms developed to predict the effect of missense changes on protein structure and function are either unavailable or do not agree on the potential impact of this missense change (SIFT: "Deleterious"; PolyPhen-2: "Probably Damaging"; Align-GVGD: "Class C15"). In summary, the available evidence is currently insufficient to determine the role of this variant in disease. Therefore, it has been classified as a Variant of Uncertain Significance.